The following is an entry in ClinVar:

NM_022132.5(MCCC2):c.1559A>C (p.Tyr520Ser)

Gene: MCCC2 (methylcrotonyl-CoA carboxylase subunit 2; plus strand). Cytogenetic location: 5q13.2.
Variant type: single nucleotide variant.
Coding change: c.1559A>C on transcript NM_022132.5 (MANE Select); coding-DNA position 1559, A replaced by C.
Protein change: p.Tyr520Ser; replaces tyrosine 520 with serine.
Molecular consequence: missense variant.
Genome position (GRCh38, 1-based): chr5:71,652,739, A>C. VCF-style: chr5-71652739-A-C. GRCh37 (hg19) VCF-style: chr5-70948566-A-C.
Other names: c.1445A>C, p.Tyr482Ser (NM_001363147.1); short protein forms Y520S, Y482S.
Identifiers: ClinVar variation 467805 (VCV000467805.14), dbSNP rs150327768, ClinGen allele CA3298191.

ClinVar aggregate classification (germline): Conflicting classifications of pathogenicity. Review status: criteria provided, conflicting classifications (1 of 4 stars). 4 submissions from 4 submitters: Pathogenic (1); Likely pathogenic (1); Uncertain significance (1). 1 of the submissions does not count toward it. Last evaluated 2026-06-26.

Conditions:
Methylcrotonyl-CoA carboxylase deficiency. Also called: 3 Methylcrotonylglycinuria; Deficiency of methylcrotonoyl-CoA carboxylase; 3-MCC Deficiency. Identifiers: Orphanet 6, MedGen C4551505, MONDO:0018950.
3-methylcrotonyl-CoA carboxylase 2 deficiency. Also called: METHYLCROTONYLGLYCINURIA, TYPE II; 3 alpha methylcrotonyl-CoA carboxylase 2 deficiency; 3 alpha methylcrotonylglycinuria 2; MCC 2 deficiency; Methylcrotonylglycinuria type 2. Identifiers: Orphanet 6, MedGen C1859499, MONDO:0008862, OMIM 210210.

Allele frequency attached by ClinVar (database versions not stated): TOPMed 0.00001; ESP Exome Variant Server 0.00008.
gnomAD v4.1: 96 of 1,614,052 alleles (0.0059%); highest among the groups gnomAD compares: Non-Finnish European, 0.0081%; no homozygotes.

Submissions (4):

Myriad Genetics, Inc.
Classification: Uncertain significance for 3-methylcrotonyl-CoA carboxylase 2 deficiency. Last evaluated: 2026-06-26. Review status: criteria provided, single submitter. Criteria: Myriad Autosomal Dominant, Autosomal Recessive and X-Linked Classification Criteria (2023). Collection method: clinical testing. Allele origin: unknown.
Comment: NM_022132.4(MCCC2):c.1559A>C(Y520S) is a missense variant classified as a variant of uncertain significance in the context of 3-methylcrotonyl-CoA carboxylase deficiency, MCC2-related. Y520S has been observed in a case with relevant disease (PMID: 21071250). Relevant functional assessments of this variant are not available in the literature. Y520S has been observed in referenced population frequency databases. In summary, there is insufficient evidence to classify NM_022132.4(MCCC2):c.1559A>C(Y520S) as pathogenic or benign. Please note: this variant was assessed in the context of healthy population screening.

Women's Health and Genetics/Laboratory Corporation of America, LabCorp
Classification: Likely pathogenic for Methylcrotonyl-CoA carboxylase deficiency. Last evaluated: 2025-08-22. Review status: criteria provided, single submitter. Criteria: LabCorp Variant Classification Summary - May 2015. Collection method: clinical testing. Allele origin: germline.
Comment: Variant summary: MCCC2 c.1559A>C (p.Tyr520Ser) results in a non-conservative amino acid change located in the Acetyl-coenzyme A carboxyltransferase, C-terminal domain (IPR011763) of the encoded protein sequence. Algorithms developed to predict the effect of missense changes on protein structure and function all suggest that this variant is likely to be disruptive. The variant allele was found at a frequency of 2e-05 in 251390 control chromosomes. c.1559A>C has been observed in individual(s) affected with Methylcrotonyl-CoA Carboxylase Deficiency (Nguyen_2011, Internal data). These data indicate that the variant may be associated with disease. To our knowledge, no experimental evidence demonstrating an impact on protein function has been reported. The following publication have been ascertained in the context of this evaluation (PMID: 21071250). ClinVar contains an entry for this variant (Variation ID: 467805). Based on the evidence outlined above, the variant was classified as likely pathogenic.

Labcorp Genetics (formerly Invitae), Labcorp
Classification: Pathogenic for 3-methylcrotonyl-CoA carboxylase 2 deficiency. Last evaluated: 2023-08-09. Review status: criteria provided, single submitter. Criteria: Invitae Variant Classification Sherloc (09022015). Collection method: clinical testing. Allele origin: germline.
Comment: This missense change has been observed in individual(s) with 3-methylcrotonyl-CoA carboxylase (3MCC) deficiency (PMID: 21071250; Invitae). For these reasons, this variant has been classified as Pathogenic. Advanced modeling of protein sequence and biophysical properties (such as structural, functional, and spatial information, amino acid conservation, physicochemical variation, residue mobility, and thermodynamic stability) performed at Invitae indicates that this missense variant is expected to disrupt MCCC2 protein function. ClinVar contains an entry for this variant (Variation ID: 467805). This variant is present in population databases (rs150327768, gnomAD 0.004%). This sequence change replaces tyrosine, which is neutral and polar, with serine, which is neutral and polar, at codon 520 of the MCCC2 protein (p.Tyr520Ser).

Natera, Inc.
Classification: Uncertain significance for 3-methylcrotonylglycinuria. Last evaluated: 2020-09-16. Review status: no assertion criteria provided. Collection method: clinical testing. Allele origin: germline. Not counted in ClinVar's aggregate classification.

Literature cited by the submitters: PubMed 21071250 (cited by 3 submitters).